The following is an entry in ClinVar:

ClinVar aggregate classification (germline): Likely benign. Review status: criteria provided, multiple submitters, no conflicts (2 of 4 stars). 2 submissions from 2 submitters: Likely benign (2). Last evaluated 2022-02-05.

Conditions:
Emery-Dreifuss muscular dystrophy 4, autosomal dominant (EDMD4). Also called: EMERY-DREIFUSS MUSCULAR DYSTROPHY 4 WITH VARIABLE FEATURES. Identifiers: Orphanet 261, MedGen C2751807, MONDO:0013071, OMIM 612998.
Autosomal recessive ataxia, Beauce type. Also called: SYNE1 Deficiency; Spinocerebellar ataxia, autosomal recessive 8; ATAXIA, RECESSIVE, OF BEAUCE; SYNE1-Related Autosomal Recessive Cerebellar Ataxia. Identifiers: Orphanet 88644, MedGen C1853116, MONDO:0012549, OMIM 610743.

Allele frequency attached by ClinVar (database versions not stated): ExAC 0.00001; gnomAD 0.00001; TOPMed 0.00002; 1000 Genomes Project 0.00020; 1000 Genomes Project 30x 0.00031.
gnomAD v4.1: 6 of 1,614,090 alleles (0.00037%); highest among the groups gnomAD compares: Admixed American, 0.005%; no homozygotes.

Submissions (2):

Labcorp Genetics (formerly Invitae), Labcorp
Classification: Likely benign for Emery-Dreifuss muscular dystrophy 4, autosomal dominant; Autosomal recessive ataxia, Beauce type. Last evaluated: 2022-02-05. Review status: criteria provided, single submitter. Criteria: Invitae Variant Classification Sherloc (09022015). Collection method: clinical testing. Allele origin: germline.

GeneDx
Classification: Likely benign. Last evaluated: 2017-02-15. Review status: criteria provided, single submitter. Criteria: GeneDx Variant Classification (06012015). Collection method: clinical testing. Allele origin: germline. Affected: yes.
Comment: This variant is considered likely benign or benign based on one or more of the following criteria: it is a conservative change, it occurs at a poorly conserved position in the protein, it is predicted to be benign by multiple in silico algorithms, and/or has population frequency not consistent with disease.

NM_182961.4(SYNE1):c.17943C>A (p.Ala5981=)

Gene: SYNE1 (spectrin repeat containing nuclear envelope protein 1; minus strand). Cytogenetic location: 6q25.2.
Variant type: single nucleotide variant.
Coding change: c.17943C>A on transcript NM_182961.4 (MANE Select); coding-DNA position 17943, C replaced by A.
Protein change: p.Ala5981=; no amino-acid change (alanine 5981 retained).
Molecular consequence: synonymous variant.
Genome position (GRCh38, 1-based): chr6:152,293,657, G>T on the plus strand (C>A on the coding strand, the complement: SYNE1 is on the minus strand). VCF-style: chr6-152293657-G-T. GRCh37 (hg19) VCF-style: chr6-152614792-G-T.
Other names: c.17730C>A, p.Ala5910= (NM_033071.5).
Identifiers: ClinVar variation 507396 (VCV000507396.11), dbSNP rs201436749, ClinGen allele CA4055089.
Genomic context (GRCh38, chr6:152,293,657, plus strand): 5'-AGCCATCTGGCTTTCTGGACTCCTGCCAGGCTCTGGGCTCTCACTGAGTTTCAGCTCAAT[G>T]GCCTCCATCTTCGTAGAGATGGACTGGAGGGAGTCCTGGTACTTCTGCTGGCGTTCCAAA-3'
Protein context (NP_892006.3, residues 5971-5991): SLQSISTKME[Ala5981=]IELKLSESPE